The following is an entry in ClinVar:

ClinVar aggregate classification (germline): Uncertain significance. Review status: criteria provided, single submitter (1 of 4 stars). 2 submissions from 2 submitters: Uncertain significance (1). 1 of the submissions does not count toward it. Last evaluated 2022-06-13.

Conditions:
Glucose-6-phosphate transport defect (GSD1B). Also called: Glycogen Storage Disease Type Ib; GSD Ib. Identifiers: Orphanet 364, Orphanet 79259, MedGen C0268146, MONDO:0009288, OMIM 232220.

Allele frequency attached by ClinVar (database versions not stated): TOPMed below 0.00001; gnomAD 0.00001.

Submissions (2):

Labcorp Genetics (formerly Invitae), Labcorp
Classification: Uncertain significance for Glucose-6-phosphate transport defect. Last evaluated: 2022-06-13. Review status: criteria provided, single submitter. Criteria: Invitae Variant Classification Sherloc (09022015). Collection method: clinical testing. Allele origin: germline.
Comment: This sequence change replaces glycine, which is neutral and non-polar, with tryptophan, which is neutral and slightly polar, at codon 68 of the SLC37A4 protein (p.Gly68Trp). The frequency data for this variant in the population databases is considered unreliable, as metrics indicate poor data quality at this position in the gnomAD database. This variant has not been reported in the literature in individuals affected with SLC37A4-related conditions. ClinVar contains an entry for this variant (Variation ID: 556589). Experimental studies and prediction algorithms are not available or were not evaluated, and the functional significance of this variant is currently unknown. In summary, the available evidence is currently insufficient to determine the role of this variant in disease. Therefore, it has been classified as a Variant of Uncertain Significance.

Counsyl
Classification: Uncertain significance for Glucose-6-phosphate transport defect. Last evaluated: 2018-02-09. Review status: no assertion criteria provided. Collection method: clinical testing. Allele origin: unknown. Not counted in ClinVar's aggregate classification.

NM_001164277.2(SLC37A4):c.202G>T (p.Gly68Trp)

Gene: SLC37A4 (solute carrier family 37 member 4; minus strand). Cytogenetic location: 11q23.3.
Variant type: single nucleotide variant.
Coding change: c.202G>T on transcript NM_001164277.2 (MANE Select); coding-DNA position 202, G replaced by T.
Protein change: p.Gly68Trp; replaces glycine 68 with tryptophan.
Molecular consequence: missense variant. On other transcripts: 5 prime UTR variant (1).
Genome position (GRCh38, 1-based): chr11:119,028,373, C>A on the plus strand (G>T on the coding strand, the complement: SLC37A4 is on the minus strand). VCF-style: chr11-119028373-C-A. GRCh37 (hg19) VCF-style: chr11-118899083-C-A.
Other names: c.202G>T, p.Gly68Trp (NM_001164278.2, NM_001164280.2, NM_001467.6); c.-18G>T (NM_001164279.2); short protein forms G68W.
Identifiers: ClinVar variation 556589 (VCV000556589.5), dbSNP rs193302885, ClinGen allele CA229599869.